The following is an entry in ClinVar:

ClinVar aggregate classification (germline): Likely pathogenic. Review status: criteria provided, multiple submitters, no conflicts (2 of 4 stars). 2 submissions from 2 submitters: Likely pathogenic (2). Last evaluated 2019-08-05.

Conditions:
Dilated cardiomyopathy 1G (CMD1G). Identifiers: Orphanet 154, MedGen C1858763, MONDO:0011400, OMIM 604145.
Autosomal recessive limb-girdle muscular dystrophy type 2J (LGMDR10). Also called: Limb-girdle muscular dystrophy, type 2J; MUSCULAR DYSTROPHY, LIMB-GIRDLE, AUTOSOMAL RECESSIVE 10. Identifiers: Orphanet 140922, MedGen C1837342, MONDO:0012127, OMIM 608807.

Submissions (2):

GeneDx
Classification: Likely pathogenic. Last evaluated: 2019-08-05. Review status: criteria provided, single submitter. Criteria: GeneDx Variant Classification Process June 2021. Collection method: clinical testing. Allele origin: germline. Affected: yes.
Comment: Nonsense variant predicted to result in protein truncation or nonsense mediated decay in a gene for which loss-of-function is a known mechanism of disease; Not observed in large population cohorts (Lek et al., 2016)

Labcorp Genetics (formerly Invitae), Labcorp
Classification: Likely pathogenic for Dilated cardiomyopathy 1G; Autosomal recessive limb-girdle muscular dystrophy type 2J. Last evaluated: 2019-07-09. Review status: criteria provided, single submitter. Criteria: Invitae Variant Classification Sherloc (09022015). Collection method: clinical testing. Allele origin: germline.
Comment: This variant is not present in population databases (ExAC no frequency). This sequence change results in a premature translational stop signal in the TTN gene (p.Leu28505*). While this is not anticipated to result in nonsense mediated decay, it is expected to result in a truncated TTN protein. This variant has not been reported in the literature in individuals with TTN-related conditions. ClinVar contains an entry for this variant (Variation ID: 380206). This variant is located in the A band of TTN (PMID: 25589632). Truncating variants in this region are significantly overrepresented in patients affected with dilated cardiomyopathy (PMID: 25589632). Truncating variants in this region have also been reported in individuals affected with autosomal recessive centronuclear myopathy (PMID: 23975875). In summary, the currently available evidence indicates that the variant is pathogenic, but additional data are needed to prove that conclusively. Therefore, this variant has been classified as Likely Pathogenic.

Literature cited by the submitters: PubMed 25589632 (cited by Labcorp Genetics (formerly Invitae), Labcorp); PubMed 23975875 (cited by Labcorp Genetics (formerly Invitae), Labcorp).

NM_001267550.2(TTN):c.85514T>G (p.Leu28505Ter)

Genes: TTN-AS1 (TTN antisense RNA 1; plus strand), TTN (titin; minus strand). Cytogenetic location: 2q31.2.
Variant type: single nucleotide variant.
Coding change: c.85514T>G on transcript NM_001267550.2 (MANE Select); coding-DNA position 85514, T replaced by G.
Protein change: p.Leu28505Ter; replaces leucine 28505 with a stop codon.
Molecular consequence: nonsense.
Genome position (GRCh38, 1-based): chr2:178,560,618, A>C on the plus strand (T>G on the coding strand, the complement: TTN is on the minus strand). VCF-style: chr2-178560618-A-C. GRCh37 (hg19) VCF-style: chr2-179425345-A-C.
Other names: c.80591T>G, p.Leu26864Ter (NM_001256850.1); c.58319T>G, p.Leu19440Ter (NM_003319.4); c.77810T>G, p.Leu25937Ter (NM_133378.4); c.58694T>G, p.Leu19565Ter (NM_133432.3); c.58895T>G, p.Leu19632Ter (NM_133437.4); short protein forms L26864*, L28505*, L19632*, L25937*, L19440*, L19565*.
Identifiers: ClinVar variation 380206 (VCV000380206.14), dbSNP rs1057520803, ClinGen allele CA16603877.